The following is an entry in ClinVar:

NM_025000.4(DCAF17):c.*2348G>A

Gene: DCAF17 (DDB1 and CUL4 associated factor 17; plus strand). Cytogenetic location: 2q31.1.
Variant type: single nucleotide variant.
Coding change: c.*2348G>A on transcript NM_025000.4 (MANE Select); 2348 bases downstream of the stop codon, G replaced by A.
Molecular consequence: 3 prime UTR variant. On other transcripts: non-coding transcript variant (1).
Genome position (GRCh38, 1-based): chr2:171,483,462, G>A. VCF-style: chr2-171483462-G-A. GRCh37 (hg19) VCF-style: chr2-172339972-G-A.
Other names: c.*2348G>A (NM_001164821.2).
Identifiers: ClinVar variation 332298 (VCV000332298.5), dbSNP rs112519318, ClinGen allele CA1965116.

ClinVar aggregate classification (germline): Benign (1 of 4 stars; one submission).

Conditions:
Woodhouse-Sakati syndrome. Also called: Hypogonadism, Alopecia, Diabetes Mellitus, Mental Retardation, and Extrapyramidal Syndrome; Hypogonadism, diabetes mellitus, alopecia, mental retardation and electrocardiographic abnormalities; EXTRAPYRAMIDAL DISORDER, PROGRESSIVE, WITH PRIMARY HYPOGONADISM, MENTAL RETARDATION, AND ALOPECIA. Identifiers: Orphanet 3464, MedGen C0342286, MONDO:0009419, OMIM 241080.

Allele frequency attached by ClinVar (database versions not stated): ExAC 0.00074; gnomAD exomes 0.00202 and 0.00119; gnomAD 0.00971 and 0.01011; TOPMed 0.01113; 1000 Genomes Project 0.01617; 1000 Genomes Project 30x 0.01733.
gnomAD v4.1: 1,847 of 454,102 alleles (0.41%); highest among the groups gnomAD compares: African/African-American, 3.2%; 32 homozygotes.

Submission:

Illumina Laboratory Services, Illumina
Classification: Benign for Woodhouse-Sakati syndrome. Last evaluated: 2018-01-12. Review status: criteria provided, single submitter. Criteria: ICSL Variant Classification Criteria 13 December 2019. Collection method: clinical testing. Allele origin: germline.
Comment: This variant was observed in the ICSL laboratory as part of a predisposition screen in an ostensibly healthy population. It had not been previously curated by ICSL or reported in the Human Gene Mutation Database (HGMD: prior to June 1st, 2018), and was therefore a candidate for classification through an automated scoring system. Utilizing variant allele frequency, disease prevalence and penetrance estimates, and inheritance mode, an automated score was calculated to assess if this variant is too frequent to cause the disease. Based on the score and internal cut-off values, a variant classified as benign is not then subjected to further curation. The score for this variant resulted in a classification of benign for this disease.